The following is an entry in ClinVar:

ClinVar aggregate classification (germline): Uncertain significance (1 of 4 stars; one submission).

Allele frequency attached by ClinVar (database versions not stated): TOPMed 0.00001; gnomAD 0.00003; gnomAD exomes 0.00002.
gnomAD v4.1: 25 of 1,612,154 alleles (0.0016%); highest among the groups gnomAD compares: Non-Finnish European, 0.002%; no homozygotes.

Submission:

Labcorp Genetics (formerly Invitae), Labcorp
Classification: Uncertain significance. Last evaluated: 2022-08-20. Review status: criteria provided, single submitter. Criteria: Invitae Variant Classification Sherloc (09022015). Collection method: clinical testing. Allele origin: germline.
Comment: This sequence change replaces alanine, which is neutral and non-polar, with serine, which is neutral and polar, at codon 2863 of the ASPM protein (p.Ala2863Ser). This variant is present in population databases (no rsID available, gnomAD 0.006%). This variant has not been reported in the literature in individuals affected with ASPM-related conditions. ClinVar contains an entry for this variant (Variation ID: 1444352). Algorithms developed to predict the effect of missense changes on protein structure and function are either unavailable or do not agree on the potential impact of this missense change (SIFT: "Tolerated"; PolyPhen-2: "Probably Damaging"; Align-GVGD: "Class C0"). In summary, the available evidence is currently insufficient to determine the role of this variant in disease. Therefore, it has been classified as a Variant of Uncertain Significance.

NM_018136.5(ASPM):c.8587G>T (p.Ala2863Ser)

Gene: ASPM (assembly factor for spindle microtubules; minus strand). Cytogenetic location: 1q31.3.
Variant type: single nucleotide variant.
Coding change: c.8587G>T on transcript NM_018136.5 (MANE Select); coding-DNA position 8587, G replaced by T.
Protein change: p.Ala2863Ser; replaces alanine 2863 with serine.
Molecular consequence: missense variant. On other transcripts: intron variant (1).
Genome position (GRCh38, 1-based): chr1:197,100,664, C>A on the plus strand (G>T on the coding strand, the complement: ASPM is on the minus strand). VCF-style: chr1-197100664-C-A. GRCh37 (hg19) VCF-style: chr1-197069794-C-A.
Other names: c.4066-4500G>T (NM_001206846.2); short protein forms A2863S.
Identifiers: ClinVar variation 1444352 (VCV001444352.5), dbSNP rs1374224839, ClinGen allele CA344012203.